The following is an entry in ClinVar:

NC_000001.11:g.230703298G>A

Gene: AGT (angiotensinogen; minus strand). Cytogenetic location: 1q42.2.
Variant type: single nucleotide variant.
Genome position: GRCh38 VCF-style: chr1-230703298-G-A. GRCh37 (hg19) VCF-style: chr1-230839044-G-A.
Other names: NM_000029.3:c.1301C>T; NM_000029.4:c.1301C>T; c.1274C>T (NM_001384479.1).
Identifiers: ClinVar variation 876805 (VCV000876805.7), dbSNP rs61751076, ClinGen allele CA1448053.
Genomic context (GRCh38, chr1:230,703,298, plus strand): 5'-ACCTCCAAGACCTCAGGCTTGTTAAGCTGTTGGGTAGACTCTGTGGGCTCTCTCTCATCC[G>A]CTTCAAGCTCAAAAAAAATGCTGTTCAGCACCTGCAAAGCAGCAGACATCAGGATCATTC-3'

ClinVar aggregate classification (germline): Uncertain significance. Review status: criteria provided, multiple submitters, no conflicts (2 of 4 stars). 4 submissions from 3 submitters: Uncertain significance (4). Last evaluated 2025-01-11.

Conditions:
Renal tubular dysgenesis of genetic origin. Also called: PRIMITIVE RENAL TUBULE SYNDROME. Identifiers: Orphanet 97369, MedGen C5681536, MONDO:0009970, OMIM 267430.
Essential hypertension, genetic (EHT). Identifiers: MedGen CN305331, MONDO:0007781, OMIM 145500.
Renal tubular dysgenesis. Also called: Renotubular dysgenesis. Identifiers: Orphanet 3033, MedGen C0266313, MONDO:0017609, HP:0008660.

Allele frequency attached by ClinVar (database versions not stated): TOPMed 0.00023; gnomAD 0.00025 and 0.00026; ESP Exome Variant Server 0.00054.
gnomAD v4.1: 665 of 1,614,038 alleles (0.041%); highest among the groups gnomAD compares: Non-Finnish European, 0.053%; no homozygotes.

Submissions (4):

Labcorp Genetics (formerly Invitae), Labcorp
Classification: Uncertain significance. Last evaluated: 2025-01-11. Review status: criteria provided, single submitter. Criteria: Invitae Variant Classification Sherloc (09022015). Collection method: clinical testing. Allele origin: germline.
Comment: This sequence change replaces alanine, which is neutral and non-polar, with valine, which is neutral and non-polar, at codon 434 of the AGT protein (p.Ala434Val). This variant is present in population databases (rs61751076, gnomAD 0.06%). This variant has not been reported in the literature in individuals affected with AGT-related conditions. ClinVar contains an entry for this variant (Variation ID: 876805). Invitae Evidence Modeling of protein sequence and biophysical properties (such as structural, functional, and spatial information, amino acid conservation, physicochemical variation, residue mobility, and thermodynamic stability) has been performed for this missense variant. However, the output from this modeling did not meet the statistical confidence thresholds required to predict the impact of this variant on AGT protein function. In summary, the available evidence is currently insufficient to determine the role of this variant in disease. Therefore, it has been classified as a Variant of Uncertain Significance.

Fulgent Genetics
Classification: Uncertain significance for Renal tubular dysgenesis of genetic origin. Last evaluated: 2023-12-24. Review status: criteria provided, single submitter. Criteria: ACMG Guidelines, 2015. Collection method: clinical testing. Allele origin: germline.

Fulgent Genetics
Classification: Uncertain significance for Essential hypertension, genetic; Renal tubular dysgenesis of genetic origin. Last evaluated: 2021-12-02. Review status: criteria provided, single submitter. Criteria: ACMG Guidelines, 2015. Collection method: clinical testing. Allele origin: unknown.

Illumina Laboratory Services, Illumina
Classification: Uncertain significance for Renal tubular dysgenesis of genetic origin. Last evaluated: 2018-01-13. Review status: criteria provided, single submitter. Criteria: ICSL Variant Classification Criteria 13 December 2019. Collection method: clinical testing. Allele origin: germline.